The following is an entry in ClinVar:

NM_002890.3(RASA1):c.2470A>T (p.Ser824Cys)

Genes: CCNH (cyclin H; minus strand), RASA1 (RAS p21 protein activator 1; plus strand). Cytogenetic location: 5q14.3.
Variant type: single nucleotide variant.
Coding change: c.2470A>T on transcript NM_002890.3 (MANE Select); coding-DNA position 2470, A replaced by T.
Protein change: p.Ser824Cys; replaces serine 824 with cysteine.
Molecular consequence: missense variant. On other transcripts: intron variant (1).
Genome position (GRCh38, 1-based): chr5:87,378,521, A>T. VCF-style: chr5-87378521-A-T. GRCh37 (hg19) VCF-style: chr5-86674338-A-T.
Other names: c.1939A>T, p.Ser647Cys (NM_022650.3); c.933+16523T>A (NM_001364075.2); short protein forms S647C, S824C.
Identifiers: ClinVar variation 1207806 (VCV001207806.13), dbSNP rs151119180, ClinGen allele CA3335995.
Genomic context (GRCh38, chr5:87,378,521, plus strand): 5'-GCCACTGCTACACAGTTTGTTCATCATGCTTTGAAAGACTCTATTTTAAAGATAATGGAA[A>T]GCAAGCAGTCTTGTGAGGTAAGAATTTAATGTTTTAATAAGTATTTTTGCAAAGAACATA-3'
Protein context (NP_002881.1, residues 814-834): LKDSILKIME[Ser824Cys]KQSCELSPSK

ClinVar aggregate classification (germline): Conflicting classifications of pathogenicity. Review status: criteria provided, conflicting classifications (1 of 4 stars). 3 submissions from 3 submitters: Uncertain significance (2); Benign (1). Last evaluated 2025-12-09.

Conditions:
Capillary malformation-arteriovenous malformation syndrome. Also called: Capillary malformation-arteriovenous malformation. Identifiers: Orphanet 137667, MedGen C1842180, MONDO:0012016.
Cardiovascular phenotype. Identifiers: MedGen CN230736.

Allele frequency attached by ClinVar (database versions not stated): ExAC 0.00002; TOPMed 0.00009; gnomAD 0.00014 and 0.00015; gnomAD exomes 0.00002; ESP Exome Variant Server 0.00008.
gnomAD v4.1: 54 of 1,610,902 alleles (0.0034%); highest among the groups gnomAD compares: African/African-American, 0.059%; no homozygotes.

Submissions (3):

Labcorp Genetics (formerly Invitae), Labcorp
Classification: Uncertain significance for Capillary malformation-arteriovenous malformation syndrome. Last evaluated: 2025-12-09. Review status: criteria provided, single submitter. Criteria: Invitae Variant Classification Sherloc (09022015). Collection method: clinical testing. Allele origin: germline.
Comment: This sequence change replaces serine, which is neutral and polar, with cysteine, which is neutral and slightly polar, at codon 824 of the RASA1 protein (p.Ser824Cys). This variant is present in population databases (rs151119180, gnomAD 0.03%). This variant has not been reported in the literature in individuals affected with RASA1-related conditions. ClinVar contains an entry for this variant (Variation ID: 1207806). An algorithm developed to predict the effect of missense changes on protein structure and function (PolyPhen-2) suggests that this variant is likely to be disruptive. In summary, the available evidence is currently insufficient to determine the role of this variant in disease. Therefore, it has been classified as a Variant of Uncertain Significance.

Ambry Genetics
Classification: Benign for Cardiovascular phenotype. Last evaluated: 2025-08-21. Review status: criteria provided, single submitter. Criteria: Ambry Variant Classification Scheme 2023. Collection method: clinical testing. Allele origin: germline.

GeneDx
Classification: Uncertain significance. Last evaluated: 2019-09-20. Review status: criteria provided, single submitter. Criteria: GeneDx Variant Classification Process June 2021. Collection method: clinical testing. Allele origin: germline. Affected: yes.
Comment: In silico analysis, which includes protein predictors and evolutionary conservation, supports a deleterious effect; Has not been previously published as pathogenic or benign to our knowledge